The following is an entry in ClinVar:

ClinVar aggregate classification (germline): Uncertain significance. Review status: criteria provided, multiple submitters, no conflicts (2 of 4 stars). 2 submissions from 2 submitters: Uncertain significance (2). Last evaluated 2025-06-24.

Conditions:
Inborn genetic diseases. Identifiers: MedGen C0950123, MeSH D030342.

gnomAD v4.1: 4 of 1,614,178 alleles (0.00025%); highest among the groups gnomAD compares: Admixed American, 0.0017%; no homozygotes.

Submissions (2):

Ambry Genetics
Classification: Uncertain significance for Inborn genetic diseases. Last evaluated: 2025-06-24. Review status: criteria provided, single submitter. Criteria: Ambry Variant Classification Scheme 2023. Collection method: clinical testing. Allele origin: germline.

Labcorp Genetics (formerly Invitae), Labcorp
Classification: Uncertain significance. Last evaluated: 2021-05-27. Review status: criteria provided, single submitter. Criteria: Invitae Variant Classification Sherloc (09022015). Collection method: clinical testing. Allele origin: germline.
Comment: In summary, the available evidence is currently insufficient to determine the role of this variant in disease. Therefore, it has been classified as a Variant of Uncertain Significance. Algorithms developed to predict the effect of missense changes on protein structure and function (SIFT, PolyPhen-2, Align-GVGD) all suggest that this variant is likely to be tolerated, but these predictions have not been confirmed by published functional studies and their clinical significance is uncertain. This variant has not been reported in the literature in individuals with MYO1E-related conditions. This variant is present in population databases (rs564470291, ExAC 0.001%). This sequence change replaces arginine with leucine at codon 1007 of the MYO1E protein (p.Arg1007Leu). The arginine residue is highly conserved and there is a moderate physicochemical difference between arginine and leucine.

NM_004998.4(MYO1E):c.3020G>T (p.Arg1007Leu)

Gene: MYO1E (myosin IE; minus strand). Cytogenetic location: 15q22.2.
Variant type: single nucleotide variant.
Coding change: c.3020G>T on transcript NM_004998.4 (MANE Select); coding-DNA position 3020, G replaced by T.
Protein change: p.Arg1007Leu; replaces arginine 1007 with leucine.
Molecular consequence: missense variant.
Genome position (GRCh38, 1-based): chr15:59,153,650, C>A on the plus strand (G>T on the coding strand, the complement: MYO1E is on the minus strand). VCF-style: chr15-59153650-C-A. GRCh37 (hg19) VCF-style: chr15-59445849-C-A.
Other names: c.3020G>T (NM_004998.2); short protein forms R1007L.
Identifiers: ClinVar variation 1510940 (VCV001510940.7), dbSNP rs564470291, ClinGen allele CA7589054.